The following is an entry in ClinVar:

ClinVar aggregate classification (germline): Uncertain significance (1 of 4 stars; one submission).

Submission:

GeneDx
Classification: Uncertain significance. Last evaluated: 2024-03-13. Review status: criteria provided, single submitter. Criteria: GeneDx Variant Classification Process June 2021. Collection method: clinical testing. Allele origin: germline. Affected: yes.
Comment: Not observed at significant frequency in large population cohorts (gnomAD); In silico analysis supports that this missense variant has a deleterious effect on protein structure/function; Has not been previously published as pathogenic or benign to our knowledge

NM_006070.6(TFG):c.273T>G (p.Asn91Lys)

Gene: TFG (trafficking from ER to golgi regulator; plus strand). Cytogenetic location: 3q12.2.
Variant type: single nucleotide variant.
Coding change: c.273T>G on transcript NM_006070.6 (MANE Select); coding-DNA position 273, T replaced by G.
Protein change: p.Asn91Lys; replaces asparagine 91 with lysine.
Molecular consequence: missense variant.
Genome position (GRCh38, 1-based): chr3:100,728,716, T>G. VCF-style: chr3-100728716-T-G. GRCh37 (hg19) VCF-style: chr3-100447560-T-G.
Other names: c.273T>G, p.Asn91Lys (NM_001007565.2, NM_001195478.2, NM_001195479.2); short protein forms N91K.
Identifiers: ClinVar variation 3370995 (VCV003370995.1).